The following is an entry in ClinVar:

ClinVar aggregate classification (germline): Uncertain significance. Review status: criteria provided, multiple submitters, no conflicts (2 of 4 stars). 2 submissions from 2 submitters: Uncertain significance (2). Last evaluated 2024-11-09.

Conditions:
Norman-Roberts syndrome (LIS2). Also called: Lissencephaly 2 (Norman-Roberts type). Identifiers: Orphanet 89844, MedGen C0796089, MONDO:0009760, OMIM 257320.
Familial temporal lobe epilepsy 7. Identifiers: Orphanet 101046, MedGen C4225327, MONDO:0014639, OMIM 616436.

Allele frequency attached by ClinVar (database versions not stated): gnomAD exomes below 0.00001.
gnomAD v4.1: 1 of 1,612,720 alleles (0.000062%); highest among the groups gnomAD compares: Non-Finnish European, 0.000085%; no homozygotes.

Submissions (2):

Labcorp Genetics (formerly Invitae), Labcorp
Classification: Uncertain significance for Familial temporal lobe epilepsy 7; Norman-Roberts syndrome. Last evaluated: 2024-11-09. Review status: criteria provided, single submitter. Criteria: Invitae Variant Classification Sherloc (09022015). Collection method: clinical testing. Allele origin: germline.
Comment: This sequence change replaces isoleucine, which is neutral and non-polar, with valine, which is neutral and non-polar, at codon 201 of the RELN protein (p.Ile201Val). This variant is not present in population databases (gnomAD no frequency). This variant has not been reported in the literature in individuals affected with RELN-related conditions. ClinVar contains an entry for this variant (Variation ID: 2119568). Invitae Evidence Modeling of protein sequence and biophysical properties (such as structural, functional, and spatial information, amino acid conservation, physicochemical variation, residue mobility, and thermodynamic stability) indicates that this missense variant is not expected to disrupt RELN protein function with a negative predictive value of 80%. In summary, the available evidence is currently insufficient to determine the role of this variant in disease. Therefore, it has been classified as a Variant of Uncertain Significance.

GeneDx
Classification: Uncertain significance. Last evaluated: 2022-12-15. Review status: criteria provided, single submitter. Criteria: GeneDx Variant Classification Process June 2021. Collection method: clinical testing. Allele origin: germline. Affected: yes.
Comment: Not observed at significant frequency in large population cohorts (gnomAD); In silico analysis supports that this missense variant does not alter protein structure/function; Has not been previously published as pathogenic or benign to our knowledge

NM_005045.4(RELN):c.601A>G (p.Ile201Val)

Gene: RELN (reelin; minus strand). Cytogenetic location: 7q22.1.
Variant type: single nucleotide variant.
Coding change: c.601A>G on transcript NM_005045.4 (MANE Select); coding-DNA position 601, A replaced by G.
Protein change: p.Ile201Val; replaces isoleucine 201 with valine.
Molecular consequence: missense variant.
Genome position (GRCh38, 1-based): chr7:103,749,481, T>C on the plus strand (A>G on the coding strand, the complement: RELN is on the minus strand). VCF-style: chr7-103749481-T-C. GRCh37 (hg19) VCF-style: chr7-103389928-T-C.
Other names: c.601A>G (NM_005045.3); c.601A>G, p.Ile201Val (NM_173054.3); short protein forms I201V.
Identifiers: ClinVar variation 2119568 (VCV002119568.5), dbSNP rs867857236, ClinGen allele CA163903132.